The following is an entry in ClinVar:

ClinVar aggregate classification (germline): Uncertain significance (1 of 4 stars; one submission).

Conditions:
Hereditary cancer-predisposing syndrome. Also called: Hereditary neoplastic syndrome; Neoplastic Syndromes, Hereditary; Tumor predisposition; Hereditary Cancer Syndrome. Identifiers: Orphanet 140162, MedGen C0027672, MeSH D009386, MONDO:0015356.

Submission:

Ambry Genetics
Classification: Uncertain significance for Hereditary cancer-predisposing syndrome. Last evaluated: 2025-08-11. Review status: criteria provided, single submitter. Criteria: Ambry Variant Classification Scheme 2023. Collection method: clinical testing. Allele origin: germline.
Comment: The p.I1032M variant (also known as c.3096C>G), located in coding exon 18 of the PTCH1 gene, results from a C to G substitution at nucleotide position 3096. The isoleucine at codon 1032 is replaced by methionine, an amino acid with highly similar properties. This amino acid position is conserved. In addition, this alteration is predicted to be deleterious by in silico analysis. Based on the available evidence, the clinical significance of this variant remains unclear.

NM_000264.5(PTCH1):c.3096C>G (p.Ile1032Met)

Gene: PTCH1 (patched 1; minus strand). Cytogenetic location: 9q22.32.
Variant type: single nucleotide variant.
Coding change: c.3096C>G on transcript NM_000264.5 (MANE Select); coding-DNA position 3096, C replaced by G.
Protein change: p.Ile1032Met; replaces isoleucine 1032 with methionine.
Molecular consequence: missense variant. On other transcripts: non-coding transcript variant (1).
Genome position (GRCh38, 1-based): chr9:95,458,085, G>C on the plus strand (C>G on the coding strand, the complement: PTCH1 is on the minus strand). VCF-style: chr9-95458085-G-C. GRCh37 (hg19) VCF-style: chr9-98220367-G-C.
Other names: c.2898C>G, p.Ile966Met (NM_001083602.3); c.3093C>G, p.Ile1031Met (NM_001083603.3); c.2643C>G, p.Ile881Met (NM_001083604.3, NM_001083605.3, NM_001083606.3 and 1 more transcripts); c.2940C>G, p.Ile980Met (NM_001354918.2); short protein forms I966M, I980M, I1032M, I1031M, I881M.
Identifiers: ClinVar variation 4146881 (VCV004146881.1).